The following is an entry in ClinVar:

NM_001005242.3(PKP2):c.1170+2T>A

Gene: PKP2 (plakophilin 2; minus strand). Cytogenetic location: 12p11.21.
Variant type: single nucleotide variant.
Coding change: c.1170+2T>A on transcript NM_001005242.3 (MANE Select); the canonical splice donor site of the intron after coding-DNA position 1170, T replaced by A.
Molecular consequence: splice donor variant.
Genome position (GRCh38, 1-based): chr12:32,868,925, A>T on the plus strand (T>A on the coding strand, the complement: PKP2 is on the minus strand). VCF-style: chr12-32868925-A-T. GRCh37 (hg19) VCF-style: chr12-33021859-A-T.
Other names: c.1170+2T>A (NM_001407156.1, NM_001407155.1, NM_004572.4 and 2 more transcripts); c.843+2T>A (NM_001407160.1, NM_001407159.1, NM_001407158.1 and 1 more transcripts).
Identifiers: ClinVar variation 45011 (VCV000045011.14), dbSNP rs397516987, ClinGen allele CA010840.
Genomic context (GRCh38, chr12:32,868,925, plus strand): 5'-AAGTCACCATAATAGAAGTGAAAGTGTGTTGCGCTTTGCAATGGACTGAAGATGACACTC[A>T]CCCTCTTCCGAGCTTCAGATTTCTGGAAGCACTCGTGCTGTATGAAAGTAGCTGCAGCAG-3'

ClinVar aggregate classification (germline): Pathogenic/Likely pathogenic. Review status: criteria provided, multiple submitters, no conflicts (2 of 4 stars). 4 submissions from 4 submitters: Pathogenic (3); Likely pathogenic (1). Last evaluated 2025-04-27.

Conditions:
Cardiovascular phenotype. Identifiers: MedGen CN230736.
Arrhythmogenic right ventricular cardiomyopathy (ARVD). Also called: Arrhythmogenic right ventricular dysplasia; Arrhythmogenic cardiomyopathy; Arrhythmogenic Right Ventricular Cardiomyopathy (ARVC); Cardiomyopathy, ARVC. Identifiers: Orphanet 247, MedGen C0349788, MeSH D019571, MONDO:0016587. Disease mechanism: loss of function. Inheritance: Various modes of inheritance.
Arrhythmogenic right ventricular dysplasia 9 (ARVD9). Also called: ARRHYTHMOGENIC RIGHT VENTRICULAR DYSPLASIA, FAMILIAL, 9; Arrhythmogenic Right Ventricular Dysplasia/Cardiomyopathy 9. Identifiers: MedGen C1836906, MONDO:0012180, OMIM 609040.

Submissions (4):

Labcorp Genetics (formerly Invitae), Labcorp
Classification: Pathogenic for Arrhythmogenic right ventricular dysplasia 9. Last evaluated: 2025-04-27. Review status: criteria provided, single submitter. Criteria: Invitae Variant Classification Sherloc (09022015). Collection method: clinical testing. Allele origin: germline.
Comment: This sequence change affects a donor splice site in intron 4 of the PKP2 gene. It is expected to disrupt RNA splicing. Variants that disrupt the donor or acceptor splice site typically lead to a loss of protein function (PMID: 16199547), and loss-of-function variants in PKP2 are known to be pathogenic (PMID: 15489853, 17041889, 23911551). This variant is not present in population databases (gnomAD no frequency). Disruption of this splice site has been observed in individuals with arrhythmogenic right ventricular cardiomyopathy or hypertrophic cardiomyopathy (PMID: 20400443, 25611685, 32372669; internal data). ClinVar contains an entry for this variant (Variation ID: 45011). Algorithms developed to predict the effect of sequence changes on RNA splicing suggest that this variant may disrupt the consensus splice site. For these reasons, this variant has been classified as Pathogenic.

GeneDx
Classification: Pathogenic. Last evaluated: 2023-06-09. Review status: criteria provided, single submitter. Criteria: GeneDx Variant Classification Process June 2021. Collection method: clinical testing. Allele origin: germline. Affected: yes.
Comment: Reported in association with ARVC in published literature and by another clinical laboratory in ClinVar, and segregated with disease in at least one relative (ClinVar SCV000061816.6; ClinVar; Smith et al., 2020); Canonical splice site variant predicted to result in a null allele in a gene for which loss of function is a known mechanism of disease; Not observed at significant frequency in large population cohorts (gnomAD); This variant is associated with the following publications: (PMID: 31402444, 32372669, 25611685)

Ambry Genetics
Classification: Pathogenic for Cardiovascular phenotype. Last evaluated: 2021-11-05. Review status: criteria provided, single submitter. Criteria: Ambry Variant Classification Scheme 2023. Collection method: clinical testing. Allele origin: germline.
Comment: The c.1170+2T>A intronic pathogenic mutation results from a T to A substitution two nucleotides after coding exon 4 in the PKP2 gene. This variant is considered to be rare based on population cohorts in the Genome Aggregation Database (gnomAD). In silico splice site analysis predicts that this alteration will weaken the native splice donor site. Another alteration impacting the same donor site (c.1170+1G>A) has been described in a patient with a clinical diagnosis of arrhythmogenic right ventricular cardiomyopathy (ARVC) (Hermida A et al. Eur J Heart Fail, 2019 06;21:792-800). In addition to the clinical data presented in the literature, alterations that disrupt the canonical splice site are expected to cause aberrant splicing, resulting in an abnormal protein or a transcript that is subject to nonsense-mediated mRNA decay. As such, this alteration is classified as a disease-causing mutation.

Laboratory for Molecular Medicine, Mass General Brigham Personalized Medicine
Classification: Likely pathogenic for Arrhythmogenic right ventricular cardiomyopathy. Last evaluated: 2013-02-20. Review status: criteria provided, single submitter. Criteria: LMM Criteria. Collection method: clinical testing. Allele origin: germline. Observed: 4 variant alleles.
Comment: This variant has also not been identified in large European American and African American populations by t he NHLBI Exome Sequencing Project, which incr eases the likelihood that it is pathogenic. However, we cannot exclude that it m ay be common in other populations. This variant occurs in the invariant region ( +/- 1,2) of the splice consensus sequence and is predicted to cause altered spli cing leading to an abnormal or absent protein. In summary, this variant is likel y to be pathogenic, though additional studies are required to fully establish it s clinical significance.

Literature cited by the submitters: PubMed 16199547 (cited by Labcorp Genetics (formerly Invitae), Labcorp); PubMed 15489853 (cited by Labcorp Genetics (formerly Invitae), Labcorp); PubMed 17041889 (cited by Labcorp Genetics (formerly Invitae), Labcorp); PubMed 23911551 (cited by Labcorp Genetics (formerly Invitae), Labcorp); PubMed 20400443 (cited by Labcorp Genetics (formerly Invitae), Labcorp); PubMed 25611685 (cited by Labcorp Genetics (formerly Invitae), Labcorp); PubMed 32372669 (cited by Labcorp Genetics (formerly Invitae), Labcorp).